The following is an entry in ClinVar:

NM_001372.4(DNAH9):c.10405C>T (p.Gln3469Ter)

Genes: DNAH9 (dynein axonemal heavy chain 9; plus strand), LOC101928350 (uncharacterized LOC101928350; minus strand). Cytogenetic location: 17p12.
Variant type: single nucleotide variant.
Coding change: c.10405C>T on transcript NM_001372.4 (MANE Select); coding-DNA position 10405, C replaced by T.
Protein change: p.Gln3469Ter; replaces glutamine 3469 with a stop codon.
Molecular consequence: nonsense. On other transcripts: non-coding transcript variant (1).
Genome position (GRCh38, 1-based): chr17:11,875,111, C>T. VCF-style: chr17-11875111-C-T. GRCh37 (hg19) VCF-style: chr17-11778428-C-T.
Other names: short protein forms Q3469*.
Identifiers: ClinVar variation 2980792 (VCV002980792.4), dbSNP rs1485454693, ClinGen allele CA398197026.

ClinVar aggregate classification (germline): Pathogenic/Likely pathogenic. Review status: criteria provided, multiple submitters, no conflicts (2 of 4 stars). 2 submissions from 2 submitters: Pathogenic (1); Likely pathogenic (1). Last evaluated 2024-09-13.

Conditions:
DNAH9-related disorder. Also called: DNAH9-related condition.

Allele frequency attached by ClinVar (database versions not stated): gnomAD exomes below 0.00001; gnomAD 0.00001; TOPMed 0.00003.
gnomAD v4.1: 4 of 1,614,064 alleles (0.00025%); highest among the groups gnomAD compares: Non-Finnish European, 0.00034%; no homozygotes.

Submissions (2):

Blueprint Genetics
Classification: Likely pathogenic for DNAH9-related disorders. Last evaluated: 2024-09-13. Review status: criteria provided, single submitter. Criteria: ACMG Guidelines, 2015. Collection method: clinical testing. Allele origin: germline. Affected: yes. Observed: 1 variant allele.

Labcorp Genetics (formerly Invitae), Labcorp
Classification: Pathogenic. Last evaluated: 2022-12-28. Review status: criteria provided, single submitter. Criteria: Invitae Variant Classification Sherloc (09022015). Collection method: clinical testing. Allele origin: germline.
Comment: For these reasons, this variant has been classified as Pathogenic. This variant has not been reported in the literature in individuals affected with DNAH9-related conditions. This variant is present in population databases (no rsID available, gnomAD 0.0009%). This sequence change creates a premature translational stop signal (p.Gln3469*) in the DNAH9 gene. It is expected to result in an absent or disrupted protein product. Loss-of-function variants in DNAH9 are known to be pathogenic (PMID: 30471718).

Literature cited by the submitters: PubMed 30471718 (cited by Labcorp Genetics (formerly Invitae), Labcorp).